The following is an entry in ClinVar:

ClinVar aggregate classification (germline): Uncertain significance. Review status: criteria provided, multiple submitters, no conflicts (2 of 4 stars). 2 submissions from 2 submitters: Uncertain significance (2). Last evaluated 2022-10-11.

Conditions:
Hypertrophic cardiomyopathy. Also called: HYPERTROPHIC MYOCARDIOPATHY. Identifiers: Orphanet 217569, MedGen C0007194, MeSH D002312, MONDO:0005045, HP:0001639.

Submissions (2):

Labcorp Genetics (formerly Invitae), Labcorp
Classification: Uncertain significance for Hypertrophic cardiomyopathy. Last evaluated: 2022-10-11. Review status: criteria provided, single submitter. Criteria: Invitae Variant Classification Sherloc (09022015). Collection method: clinical testing. Allele origin: germline.
Comment: In summary, the available evidence is currently insufficient to determine the role of this variant in disease. Therefore, it has been classified as a Variant of Uncertain Significance. Experimental studies and prediction algorithms are not available or were not evaluated, and the functional significance of this variant is currently unknown. ClinVar contains an entry for this variant (Variation ID: 1316570). This variant has not been reported in the literature in individuals affected with MYH7-related conditions. This variant is not present in population databases (gnomAD no frequency). This sequence change creates a premature translational stop signal (p.Ile1912Thrfs*21) in the MYH7 gene. While this is not anticipated to result in nonsense mediated decay, it is expected to disrupt the last 24 amino acid(s) of the MYH7 protein.

GeneDx
Classification: Uncertain significance. Last evaluated: 2019-11-22. Review status: criteria provided, single submitter. Criteria: GeneDx Variant Classification Process June 2021. Collection method: clinical testing. Allele origin: germline. Affected: yes.
Comment: Has not been previously published as pathogenic or benign to our knowledge; Not observed in large population cohorts (Lek et al., 2016)

NM_000257.4(MYH7):c.5735del (p.Ile1912fs)

Gene: MYH7 (myosin heavy chain 7; minus strand). Cytogenetic location: 14q11.2.
Variant type: Deletion.
Coding change: c.5735del on transcript NM_000257.4 (MANE Select); coding-DNA position 5735, one base deleted (T; older notation c.5735delT).
Protein change: p.Ile1912fs; shifts the reading frame from isoleucine 1912.
Molecular consequence: frameshift variant.
Genome position (GRCh38, 1-based): chr14:23,413,814, A deleted on the plus strand (T on the coding strand, the reverse complement: MYH7 is on the minus strand). VCF-style (leftmost placement, unchanged base first): chr14-23413813-GA-G. GRCh37 (hg19) VCF-style: chr14-23883022-GA-G.
Other names: short protein forms I1912fs.
Identifiers: ClinVar variation 1316570 (VCV001316570.6), dbSNP rs2138635212, ClinGen allele CA2573053876.
Genomic context (GRCh38, chr14:23,413,813, plus strand): 5'-ACCCACCTTCGTGCCAATGTCACGGCTCTTGGCCCGCAGCTTGTTGACCTGGGACTCGGC[GA>G]TGTCCGCCCGCTCCTCTGCCTCATCCAGCTCGTGCTGCACCTTGCGGAACTTGGACAGGT-3'